The following is an entry in ClinVar:

ClinVar aggregate classification (germline): Benign/Likely benign. Review status: criteria provided, multiple submitters, no conflicts (2 of 4 stars). 10 submissions from 10 submitters: Benign (1); Likely benign (6). 3 of the submissions do not count toward it. Last evaluated 2026-01-31.

Conditions:
Methylmalonic acidemia with homocystinuria, type cblX (MAHCX). Also called: INTELLECTUAL DEVELOPMENTAL DISORDER, X-LINKED 3. Identifiers: Orphanet 369962, MedGen C0796208, MONDO:0010657, OMIM 309541.
HCFC1-related disorder. Also called: HCFC1-related condition.

Allele frequency attached by ClinVar (database versions not stated): gnomAD exomes 0.00019 and 0.00028; ExAC 0.00038; ESP Exome Variant Server 0.00058; gnomAD 0.00090 and 0.00091; TOPMed 0.00117; 1000 Genomes Project 0.00132; 1000 Genomes Project 30x 0.00146.
gnomAD v4.1: 320 of 1,206,899 alleles (0.027%); highest among the groups gnomAD compares: African/African-American, 0.37%; 1 homozygote.

Submissions (10):

Labcorp Genetics (formerly Invitae), Labcorp
Classification: Likely benign for Methylmalonic acidemia with homocystinuria, type cblX. Last evaluated: 2026-01-31. Review status: criteria provided, single submitter. Criteria: Invitae Variant Classification Sherloc (09022015). Collection method: clinical testing. Allele origin: germline.

Blueprint Genetics
Classification: Likely benign. Last evaluated: 2024-09-23. Review status: criteria provided, single submitter. Criteria: ACMG Guidelines, 2015. Collection method: clinical testing. Allele origin: germline.

CeGaT Center for Human Genetics Tuebingen
Classification: Likely benign. Last evaluated: 2019-02-01. Review status: criteria provided, single submitter. Criteria: CeGaT Center For Human Genetics Tuebingen Variant Classification Criteria Version 2. Collection method: clinical testing. Allele origin: germline. Affected: yes. Observed: 1 variant allele.

Genetic Services Laboratory, University of Chicago
Classification: Likely benign. Last evaluated: 2018-02-09. Review status: criteria provided, single submitter. Criteria: ACMG Guidelines, 2015. Collection method: clinical testing. Allele origin: germline. Affected: no.

GeneDx
Classification: Benign. Last evaluated: 2017-11-30. Review status: criteria provided, single submitter. Criteria: GeneDx Variant Classification (06012015). Collection method: clinical testing. Allele origin: germline. Affected: yes.
Comment: This variant is considered likely benign or benign based on one or more of the following criteria: it is a conservative change, it occurs at a poorly conserved position in the protein, it is predicted to be benign by multiple in silico algorithms, and/or has population frequency not consistent with disease.

Center for Pediatric Genomic Medicine, Children's Mercy Hospital and Clinics
Classification: Likely benign. Last evaluated: 2017-01-02. Review status: criteria provided, single submitter. Criteria: ACMG Guidelines, 2015. Collection method: clinical testing. Allele origin: germline.
ClinVar note: Converted during submission from Likely Benign to Likely benign.

Breakthrough Genomics
Classification: Likely benign. Review status: criteria provided, single submitter. Criteria: ACMG Guidelines, 2015. Collection method: not provided. Allele origin: germline. Inheritance: X-linked inheritance. Affected: yes.

PreventionGenetics, part of Exact Sciences
Classification: Likely benign for HCFC1-related condition. Last evaluated: 2019-04-29. Review status: no assertion criteria provided. Collection method: clinical testing. Allele origin: germline. Not counted in ClinVar's aggregate classification.
Comment: This variant is classified as likely benign based on ACMG/AMP sequence variant interpretation guidelines (Richards et al. 2015 PMID: 25741868, with internal and published modifications).

Clinical Genetics DNA and cytogenetics Diagnostics Lab, Erasmus MC, Erasmus Medical Center
Classification: Likely benign. Review status: no assertion criteria provided. Collection method: clinical testing. Allele origin: germline. Affected: yes. Study: VKGL Data-share Consensus. Not counted in ClinVar's aggregate classification.

Laboratory of Diagnostic Genome Analysis, Leiden University Medical Center (LUMC)
Classification: Likely benign. Review status: no assertion criteria provided. Collection method: clinical testing. Allele origin: germline. Affected: yes. Study: VKGL Data-share Consensus. Not counted in ClinVar's aggregate classification.

NM_005334.3(HCFC1):c.4159G>A (p.Val1387Met)

Gene: HCFC1 (host cell factor C1; minus strand). Cytogenetic location: Xq28.
Variant type: single nucleotide variant.
Coding change: c.4159G>A on transcript NM_005334.3 (MANE Select); coding-DNA position 4159, G replaced by A.
Protein change: p.Val1387Met; replaces valine 1387 with methionine.
Molecular consequence: missense variant.
Genome position (GRCh38, 1-based): chrX:153,954,240, C>T on the plus strand (G>A on the coding strand, the complement: HCFC1 is on the minus strand). VCF-style: chrX-153954240-C-T. GRCh37 (hg19) VCF-style: chrX-153219691-C-T.
Other names: short protein forms V1387M.
Identifiers: ClinVar variation 377326 (VCV000377326.61), dbSNP rs200164926, ClinGen allele CA10557058.